The following is an entry in ClinVar:

ClinVar aggregate classification (germline): Benign (1 of 4 stars; one submission).

Conditions:
Familial cancer of breast. Also called: Hereditary breast cancer; BREAST CANCER, FAMILIAL; hereditary breast carcinoma. Identifiers: Orphanet 227535, MedGen C0346153, MONDO:0016419, OMIM 114480. Disease mechanism: loss of function.

gnomAD v4.1: 3 of 1,613,970 alleles (0.00019%); highest among the groups gnomAD compares: African/African-American, 0.0013%; no homozygotes.

Submission:

Myriad Genetics, Inc.
Classification: Benign for Familial cancer of breast. Last evaluated: 2024-10-02. Review status: criteria provided, single submitter. Criteria: Myriad Autosomal Dominant, Autosomal Recessive and X-Linked Classification Criteria (2023). Collection method: clinical testing. Allele origin: unknown.
Comment: This variant is considered benign. This variant is a silent/synonymous amino acid change and it is not expected to impact splicing.

NM_007194.4(CHEK2):c.348G>A (p.Gly116=)

Gene: CHEK2 (checkpoint kinase 2; minus strand). Cytogenetic location: 22q12.1.
Variant type: single nucleotide variant.
Coding change: c.348G>A on transcript NM_007194.4 (MANE Select); coding-DNA position 348, G replaced by A.
Protein change: p.Gly116=; no amino-acid change (glycine 116 retained).
Molecular consequence: synonymous variant.
Genome position (GRCh38, 1-based): chr22:28,725,339, C>T on the plus strand (G>A on the coding strand, the complement: CHEK2 is on the minus strand). VCF-style: chr22-28725339-C-T. GRCh37 (hg19) VCF-style: chr22-29121327-C-T.
Other names: c.477G>A, p.Gly159= (NM_001005735.3); c.-430G>A (NM_001257387.3); c.348G>A, p.Gly116= (NM_001349956.3, NM_145862.3).
Identifiers: ClinVar variation 3772763 (VCV003772763.1).